The following is an entry in ClinVar:

ClinVar aggregate classification (germline): Conflicting classifications of pathogenicity. Review status: criteria provided, conflicting classifications (1 of 4 stars). 27 submissions from 23 submitters: Uncertain significance (2); Benign (9); Likely benign (9). 7 of the submissions do not count toward it. Last evaluated 2026-06-01.

Conditions:
TTN-related disorder. Also called: TTN-related condition; TTN-related disease; TTN-related disorders.
Cardiovascular phenotype. Identifiers: MedGen CN230736.
Dilated cardiomyopathy 1G (CMD1G). Identifiers: Orphanet 154, MedGen C1858763, MONDO:0011400, OMIM 604145.
Autosomal recessive limb-girdle muscular dystrophy type 2J (LGMDR10). Also called: Limb-girdle muscular dystrophy, type 2J; MUSCULAR DYSTROPHY, LIMB-GIRDLE, AUTOSOMAL RECESSIVE 10. Identifiers: Orphanet 140922, MedGen C1837342, MONDO:0012127, OMIM 608807.
Cardiomyopathy (CMYO). Also called: Cardiomyopathies. Identifiers: Orphanet 167848, MedGen C0878544, MONDO:0004994, HP:0001638. Inheritance: Various modes of inheritance.
Early-onset myopathy with fatal cardiomyopathy (CMYO5). Also called: Salih Myopathy; CONGENITAL MYOPATHY 5 WITH CARDIOMYOPATHY. Identifiers: Orphanet 289377, MedGen C2673677, MONDO:0012714, OMIM 611705. Disease mechanism: loss of function.
Myopathy, myofibrillar, 9, with early respiratory failure (MFM9). Also called: Hereditary myopathy with early respiratory failure; Myopathy, distal, with early respiratory failure, autosomal dominant; EDSTROM MYOPATHY; MYOPATHY, PROXIMAL, WITH EARLY RESPIRATORY MUSCLE INVOLVEMENT. Identifiers: Orphanet 178464, Orphanet 34521, MedGen C1863599, MONDO:0011362, OMIM 603689.
Tibial muscular dystrophy (TMD). Also called: Udd Distal Myopathy – Tibial Muscular Dystrophy; Tibial muscular dystrophy, tardive; UDD MYOPATHY. Identifiers: Orphanet 609, MedGen C1838244, MONDO:0010870, OMIM 600334.

Allele frequency attached by ClinVar (database versions not stated): 1000 Genomes Project 30x 0.00109; 1000 Genomes Project 0.00120; gnomAD 0.00294 and 0.00301; TOPMed 0.00310; ESP Exome Variant Server 0.00333; gnomAD exomes 0.00347 and 0.00471; ExAC 0.00383.
gnomAD v4.1: 7,274 of 1,612,888 alleles (0.45%); highest among the groups gnomAD compares: Non-Finnish European, 0.57%; 17 homozygotes.

Submissions (27):

CeGaT Center for Human Genetics Tuebingen
Classification: Likely benign. Last evaluated: 2026-06-01. Review status: criteria provided, single submitter. Criteria: CeGaT Center For Human Genetics Tuebingen Variant Classification Criteria Version 2. Collection method: clinical testing. Allele origin: germline. Affected: yes. Observed: 70 variant alleles.
Comment: TTN: BS2

Labcorp Genetics (formerly Invitae), Labcorp
Classification: Benign for Dilated cardiomyopathy 1G; Autosomal recessive limb-girdle muscular dystrophy type 2J. Last evaluated: 2026-02-04. Review status: criteria provided, single submitter. Criteria: Invitae Variant Classification Sherloc (09022015). Collection method: clinical testing. Allele origin: germline.

Molecular Diagnostic Laboratory for Inherited Cardiovascular Disease, Montreal Heart Institute
Classification: Likely benign. Last evaluated: 2025-04-09. Review status: criteria provided, single submitter. Criteria: ACMG Guidelines, 2015. Collection method: clinical testing. Allele origin: germline. Affected: no.

Blueprint Genetics
Classification: Likely benign. Last evaluated: 2024-11-25. Review status: criteria provided, single submitter. Criteria: ACMG Guidelines, 2015. Collection method: clinical testing. Allele origin: germline.

ARUP Laboratories, Molecular Genetics and Genomics, ARUP Laboratories
Classification: Likely benign. Last evaluated: 2024-08-20. Review status: criteria provided, single submitter. Criteria: ARUP Molecular Germline Variant Investigation Process 2024. Collection method: clinical testing. Allele origin: germline.

Mayo Clinic Laboratories, Mayo Clinic
Classification: Benign. Last evaluated: 2024-07-01. Review status: criteria provided, single submitter. Criteria: ACMG Guidelines, 2015. Collection method: clinical testing. Allele origin: germline. Observed: 20 variant alleles.
Comment: BS1, BS2

Athena Diagnostics
Classification: Benign. Last evaluated: 2024-02-05. Review status: criteria provided, single submitter. Criteria: Athena Diagnostics Criteria. Collection method: clinical testing. Allele origin: unknown.

CHEO Genetics Diagnostic Laboratory, Children's Hospital of Eastern Ontario
Classification: Benign for Cardiomyopathy. Last evaluated: 2022-11-24. Review status: criteria provided, single submitter. Criteria: ACMG Guidelines, 2015. Collection method: clinical testing. Allele origin: germline. Study: Canadian Open Genetics Repository.

Women's Health and Genetics/Laboratory Corporation of America, LabCorp
Classification: Benign. Last evaluated: 2020-07-20. Review status: criteria provided, single submitter. Criteria: LabCorp Variant Classification Summary - May 2015. Collection method: clinical testing. Allele origin: germline.
Comment: Variant summary: TTN c.53396G>A (p.Arg17799Gln) results in a conservative amino acid change located in the A-band of the encoded protein sequence. Three of five in-silico tools predict a damaging effect of the variant on protein function. The variant allele was found at a frequency of 0.0035 in 248222 control chromosomes in the gnomAD database, including 3 homozygotes. The observed variant frequency is approximately 9 fold of the estimated maximal expected allele frequency for a pathogenic variant in TTN causing Dilated Cardiomyopathy phenotype (0.00039), strongly suggesting that the variant is benign. To our knowledge, no occurrence of c.53396G>A in individuals affected with Dilated Cardiomyopathy and no experimental evidence demonstrating its impact on protein function have been reported. Eight clinical diagnostic laboratories have submitted clinical-significance assessments for this variant to ClinVar after 2014 without evidence for independent evaluation and all laboratories classified this variant as benign/likely benign. Based on the evidence outlined above, the variant was classified as benign.

Illumina Laboratory Services, Illumina
Classification: Likely benign for Dilated cardiomyopathy 1G. Last evaluated: 2017-05-08. Review status: criteria provided, single submitter. Criteria: ICSL Variant Classification Criteria 13 December 2019. Collection method: clinical testing. Allele origin: germline.
Comment: This variant was observed as part of a predisposition screen in an ostensibly healthy population. A literature search was performed for the gene, cDNA change, and amino acid change (where applicable). No publications were found based on this search. Allele frequency data from public databases allowed determination this variant is unlikely to cause disease. Therefore, this variant is classified as likely benign.

Illumina Laboratory Services, Illumina
Classification: Benign for Myopathy, myofibrillar, 9, with early respiratory failure. Last evaluated: 2017-05-08. Review status: criteria provided, single submitter. Criteria: ICSL Variant Classification Criteria 13 December 2019. Collection method: clinical testing. Allele origin: germline.
Comment: This variant was observed as part of a predisposition screen in an ostensibly healthy population. A literature search was performed for the gene, cDNA change, and amino acid change (where applicable). No publications were found based on this search. Allele frequency data from public databases was too high to be consistent with this variant causing disease. Therefore, this variant is classified as benign.

Illumina Laboratory Services, Illumina
Classification: Benign for Tibial muscular dystrophy. Last evaluated: 2017-05-08. Review status: criteria provided, single submitter. Criteria: ICSL Variant Classification Criteria 13 December 2019. Collection method: clinical testing. Allele origin: germline.
Comment: the same text as in the submission from Illumina Laboratory Services, Illumina above.

Illumina Laboratory Services, Illumina
Classification: Uncertain significance for Autosomal recessive limb-girdle muscular dystrophy type 2J. Last evaluated: 2017-04-27. Review status: criteria provided, single submitter. Criteria: ICSL Variant Classification Criteria 13 December 2019. Collection method: clinical testing. Allele origin: germline.

Illumina Laboratory Services, Illumina
Classification: Uncertain significance for Early-onset myopathy with fatal cardiomyopathy. Last evaluated: 2017-04-27. Review status: criteria provided, single submitter. Criteria: ICSL Variant Classification Criteria 13 December 2019. Collection method: clinical testing. Allele origin: germline.

GeneDx
Classification: Benign. Last evaluated: 2016-12-07. Review status: criteria provided, single submitter. Criteria: GeneDx Variant Classification (06012015). Collection method: clinical testing. Allele origin: germline. Affected: yes.
Comment: This variant is considered likely benign or benign based on one or more of the following criteria: it is a conservative change, it occurs at a poorly conserved position in the protein, it is predicted to be benign by multiple in silico algorithms, and/or has population frequency not consistent with disease.

Genetic Services Laboratory, University of Chicago
Classification: Likely benign. Last evaluated: 2016-04-27. Review status: criteria provided, single submitter. Criteria: ACMG Guidelines, 2015. Collection method: clinical testing. Allele origin: germline. Affected: no.

Eurofins Ntd Llc (ga)
Classification: Likely benign. Last evaluated: 2015-09-01. Review status: criteria provided, single submitter. Criteria: EGL Classification Definitions 2015. Collection method: clinical testing. Allele origin: germline. Observed: 1 variant allele, 1 heterozygote.

Laboratory for Molecular Medicine, Mass General Brigham Personalized Medicine
Classification: Likely benign. Last evaluated: 2014-12-29. Review status: criteria provided, single submitter. Criteria: LMM Criteria. Collection method: clinical testing. Allele origin: germline. Observed: 16 variant alleles.
Comment: p.Arg17799Gln in exon 253 of TTN: This variant is not expected to have clinical significance because it has been identified in 0.6% (416/67492) of European chro mosomes by the Exome Aggregation Consortium (ExAC, g; dbSNP rs141973925).

Ambry Genetics
Classification: Likely benign for Cardiovascular phenotype. Last evaluated: 2013-08-15. Review status: criteria provided, single submitter. Criteria: Ambry Autosomal Dominant and X-Linked criteria (10/2015). Collection method: clinical testing. Allele origin: germline. Observed: 1 variant allele.

Biesecker Lab/Clinical Genomics Section, National Institutes of Health
Classification: Benign. Last evaluated: 2013-06-24. Review status: criteria provided, single submitter. Criteria: Ng et al. (Circ Cardiovasc Genet. 2013). Collection method: research. Allele origin: unknown. Observed: 4 variant alleles. Study: ClinSeq.
Comment: The study set was not selected for affection status in relation to any cancer. Pathogenicity categories were based on literature curation. See Pubmed ID:23861362 for details.

Medical sequencing

PreventionGenetics, part of Exact Sciences
Classification: Likely benign for TTN-related condition. Last evaluated: 2019-08-30. Review status: no assertion criteria provided. Collection method: clinical testing. Allele origin: germline. Not counted in ClinVar's aggregate classification.
Comment: This variant is classified as likely benign based on ACMG/AMP sequence variant interpretation guidelines (Richards et al. 2015 PMID: 25741868, with internal and published modifications).

Clinical Genetics DNA and cytogenetics Diagnostics Lab, Erasmus MC, Erasmus Medical Center
Classification: Benign. Review status: no assertion criteria provided. Collection method: clinical testing. Allele origin: germline. Affected: yes. Study: VKGL Data-share Consensus. Not counted in ClinVar's aggregate classification.

Clinical Genetics, Academic Medical Center
Classification: Benign. Review status: no assertion criteria provided. Collection method: clinical testing. Allele origin: germline. Affected: yes. Study: VKGL Data-share Consensus. Not counted in ClinVar's aggregate classification.

Diagnostic Laboratory, Department of Genetics, University Medical Center Groningen
Classification: Likely benign. Review status: no assertion criteria provided. Collection method: clinical testing. Allele origin: germline. Affected: yes. Study: VKGL Data-share Consensus. Not counted in ClinVar's aggregate classification.

Genome Diagnostics Laboratory, University Medical Center Utrecht
Classification: Benign. Review status: no assertion criteria provided. Collection method: clinical testing. Allele origin: germline. Affected: yes. Study: VKGL Data-share Consensus. Not counted in ClinVar's aggregate classification.

Joint Genome Diagnostic Labs from Nijmegen and Maastricht, Radboudumc and MUMC+
Classification: Benign. Review status: no assertion criteria provided. Collection method: clinical testing. Allele origin: germline. Affected: yes. Study: VKGL Data-share Consensus. Not counted in ClinVar's aggregate classification.

Laboratory of Diagnostic Genome Analysis, Leiden University Medical Center (LUMC)
Classification: Likely benign. Review status: no assertion criteria provided. Collection method: clinical testing. Allele origin: germline. Affected: yes. Study: VKGL Data-share Consensus. Not counted in ClinVar's aggregate classification.

Literature cited by the submitters: PubMed 28255936 (cited by Athena Diagnostics); PubMed 26516846 (cited by Athena Diagnostics).

NM_001267550.2(TTN):c.61100G>A (p.Arg20367Gln)

Genes: TTN-AS1 (TTN antisense RNA 1; plus strand), TTN (titin; minus strand). Cytogenetic location: 2q31.2.
Variant type: single nucleotide variant.
Coding change: c.61100G>A on transcript NM_001267550.2 (MANE Select); coding-DNA position 61100, G replaced by A.
Protein change: p.Arg20367Gln; replaces arginine 20367 with glutamine.
Molecular consequence: missense variant.
Genome position (GRCh38, 1-based): chr2:178,590,625, C>T on the plus strand (G>A on the coding strand, the complement: TTN is on the minus strand). VCF-style: chr2-178590625-C-T. GRCh37 (hg19) VCF-style: chr2-179455352-C-T.
Other names: p.R17799Q:CGG>CAG; c.56177G>A, p.Arg18726Gln (NM_001256850.1); c.53396G>A, p.Arg17799Gln (NM_133378.4); c.33905G>A, p.Arg11302Gln (NM_003319.4); c.34280G>A, p.Arg11427Gln (NM_133432.3); c.34481G>A, p.Arg11494Gln (NM_133437.4); short protein forms R20367Q, R17799Q, R18726Q, R11427Q, R11494Q, R11302Q.
Identifiers: ClinVar variation 47168 (VCV000047168.88), dbSNP rs141973925, ClinGen allele CA140204.